The following is an entry in ClinVar:

ClinVar aggregate classification (germline): Uncertain significance. Review status: criteria provided, multiple submitters, no conflicts (2 of 4 stars). 9 submissions from 9 submitters: Uncertain significance (9). Last evaluated 2026-07-20.

Conditions:
Cardiovascular phenotype. Identifiers: MedGen CN230736.
ABCG5-related disorder. Also called: ABCG5-related condition.
Sitosterolemia 1. Identifiers: MedGen C2749759, MONDO:0020747, OMIM 210250.
Sitosterolemia 2. Identifiers: MedGen C5231453, MONDO:0020748, OMIM 618666.
Sitosterolemia (STSL). Also called: PHYTOSTEROLEMIA. Identifiers: Orphanet 2882, MedGen C0342907, MONDO:0008863.
Thrombocytopenia. Identifiers: MedGen C0040034, MeSH D013921, MONDO:0002049, HP:0001873.

Allele frequency attached by ClinVar (database versions not stated): 1000 Genomes Project 30x 0.00031; 1000 Genomes Project 0.00040; gnomAD exomes 0.00053; TOPMed 0.00045; ExAC 0.00059; ESP Exome Variant Server 0.00077; gnomAD 0.00047.
gnomAD v4.1: 1,202 of 1,605,610 alleles (0.075%); highest among the groups gnomAD compares: Non-Finnish European, 0.096%; no homozygotes.

Submissions (9):

PreventionGenetics, part of Exact Sciences
Classification: Uncertain significance for ABCG5-related condition. Last evaluated: 2026-07-20. Review status: criteria provided, single submitter. Criteria: ACMG Guidelines, 2015. Collection method: clinical testing. Allele origin: germline.
Comment: The ABCG5 c.1870T>C variant is predicted to result in the amino acid substitution p.Phe624Leu. This variant was identified in an individual with platelet dysfunction and a second missense variant in ABCG5 (phase unknown) and in a dyslipidemia cohort (Dron et al. 2020. PubMed ID: 32041611; Downes et al. 2019. PubMed ID: 31064749). This variant has been observed in 0.13% alleles in individuals with familial hypercholesterolemia (Reeskamp et al. 2020. PubMed ID: 32088153). This variant is reported in 0.088% of alleles in individuals of European (Non-Finnish) descent in gnomAD. At this time, the clinical significance of this variant is uncertain due to the absence of conclusive functional and genetic evidence.

Mayo Clinic Laboratories, Mayo Clinic
Classification: Uncertain significance. Last evaluated: 2025-11-28. Review status: criteria provided, single submitter. Criteria: ACMG Guidelines, 2015. Collection method: clinical testing. Allele origin: germline. Observed: 3 variant alleles.
Comment: BP4_moderate, PM2_supporting

Revvity Omics, Revvity
Classification: Uncertain significance for Sitosterolemia 2. Last evaluated: 2024-08-07. Review status: criteria provided, single submitter. Criteria: ACMG Guidelines, 2015. Collection method: clinical testing. Allele origin: germline.

Ambry Genetics
Classification: Uncertain significance for Cardiovascular phenotype. Last evaluated: 2024-06-27. Review status: criteria provided, single submitter. Criteria: Ambry Variant Classification Scheme 2023. Collection method: clinical testing. Allele origin: germline.
Comment: The p.F624L variant (also known as c.1870T>C), located in coding exon 13 of the ABCG5 gene, results from a T to C substitution at nucleotide position 1870. The phenylalanine at codon 624 is replaced by leucine, an amino acid with highly similar properties. This alteration has been reported in a thrombotic disorders cohort (Downes K et al. Blood, 2019 Dec;134:2082-2091). This amino acid position is highly conserved in available vertebrate species. In addition, the in silico prediction for this alteration is inconclusive. Based on the available evidence, the clinical significance of this variant remains unclear.

Fulgent Genetics
Classification: Uncertain significance for Sitosterolemia 2. Last evaluated: 2024-06-21. Review status: criteria provided, single submitter. Criteria: ACMG Guidelines, 2015. Collection method: clinical testing. Allele origin: germline.

Labcorp Genetics (formerly Invitae), Labcorp
Classification: Uncertain significance for Sitosterolemia. Last evaluated: 2022-07-16. Review status: criteria provided, single submitter. Criteria: Invitae Variant Classification Sherloc (09022015). Collection method: clinical testing. Allele origin: germline.
Comment: This sequence change replaces phenylalanine, which is neutral and non-polar, with leucine, which is neutral and non-polar, at codon 624 of the ABCG5 protein (p.Phe624Leu). This variant is present in population databases (rs150401285, gnomAD 0.09%), and has an allele count higher than expected for a pathogenic variant. This missense change has been observed in individual(s) with clinical features of ABCG5-related conditions (PMID: 31064749, 32088153). ClinVar contains an entry for this variant (Variation ID: 594348). Algorithms developed to predict the effect of missense changes on protein structure and function are either unavailable or do not agree on the potential impact of this missense change (SIFT: "Deleterious"; PolyPhen-2: "Possibly Damaging"; Align-GVGD: "Class C15"). In summary, the available evidence is currently insufficient to determine the role of this variant in disease. Therefore, it has been classified as a Variant of Uncertain Significance.

NIHR Bioresource Rare Diseases, University of Cambridge
Classification: Uncertain significance for Thrombocytopenia. Last evaluated: 2019-02-01. Review status: criteria provided, single submitter. Criteria: ACMG Guidelines, 2015. Collection method: research. Allele origin: unknown. Affected: yes. Observed: 1 compound heterozygote. Study: ThromboGenomics.

Eurofins Ntd Llc (ga)
Classification: Uncertain significance. Last evaluated: 2018-08-03. Review status: criteria provided, single submitter. Criteria: EGL ClinVar v180209 classification definitions. Collection method: clinical testing. Allele origin: germline. Observed: 3 variant alleles, 3 heterozygotes.

Illumina Laboratory Services, Illumina
Classification: Uncertain significance for Sitosterolemia 1. Last evaluated: 2018-01-12. Review status: criteria provided, single submitter. Criteria: ICSL Variant Classification Criteria 13 December 2019. Collection method: clinical testing. Allele origin: germline.

Literature cited by the submitters: PubMed 31064749 (cited by 4 submitters); PubMed 32041611 (cited by Mayo Clinic Laboratories, Mayo Clinic); PubMed 32088153 (cited by Mayo Clinic Laboratories, Mayo Clinic and Labcorp Genetics (formerly Invitae), Labcorp).

NM_022436.3(ABCG5):c.1870T>C (p.Phe624Leu)

Genes: ABCG5 (ATP binding cassette subfamily G member 5; minus strand), DYNC2LI1 (dynein cytoplasmic 2 light intermediate chain 1; plus strand). Cytogenetic location: 2p21.
Variant type: single nucleotide variant.
Coding change: c.1870T>C on transcript NM_022436.3 (MANE Select); coding-DNA position 1870, T replaced by C.
Protein change: p.Phe624Leu; replaces phenylalanine 624 with leucine.
Molecular consequence: missense variant. On other transcripts: intron variant (2).
Genome position (GRCh38, 1-based): chr2:43,813,202, A>G on the plus strand (T>C on the coding strand, the complement: ABCG5 is on the minus strand). VCF-style: chr2-43813202-A-G. GRCh37 (hg19) VCF-style: chr2-44040341-A-G.
Other names: p.Phe624Leu; c.*15+2678A>G (NM_001348913.2, NM_001348912.2); short protein forms F624L.
Identifiers: ClinVar variation 594348 (VCV000594348.22), dbSNP rs150401285, ClinGen allele CA1636133.